The following is an entry in ClinVar:

NM_000320.3(QDPR):c.576del (p.Lys192fs)

Gene: QDPR (quinoid dihydropteridine reductase; minus strand). Cytogenetic location: 4p15.32.
Variant type: Deletion.
Coding change: c.576del on transcript NM_000320.3 (MANE Select); coding-DNA position 576, one base deleted (A; older notation c.576delA).
Protein change: p.Lys192fs; shifts the reading frame from lysine 192.
Molecular consequence: frameshift variant. On other transcripts: non-coding transcript variant (1).
Genome position (GRCh38, 1-based): chr4:17,490,715, T deleted on the plus strand (A on the coding strand, the reverse complement: QDPR is on the minus strand); the first of 3 consecutive T bases (chr4:17,490,715-17,490,717); deleting any one gives the same sequence. VCF-style (leftmost placement, unchanged base first): chr4-17490714-AT-A. GRCh37 (hg19) VCF-style: chr4-17492337-AT-A.
Other names: c.483del, p.Lys161fs (NM_001306140.2); short protein forms K192fs, K161fs.
Identifiers: ClinVar variation 2757447 (VCV002757447.3), dbSNP rs2474656670, ClinGen allele CA2697557073.

ClinVar aggregate classification (germline): Pathogenic (1 of 4 stars; one submission).

Conditions:
Dihydropteridine reductase deficiency (HPABH4C). Also called: BH4-Deficient Hyperphenylalaninemia C; HYPERPHENYLALANINEMIA, TETRAHYDROBIOPTERIN-DEFICIENT, DUE TO DHPR DEFICIENCY; QDPR DEFICIENCY; QUINOID DIHYDROPTERIDINE REDUCTASE DEFICIENCY; Phenylketonuria II; Hyperphenylalaninemia due to dihydropteridine reductase deficiency. Identifiers: Orphanet 226, Orphanet 238583, MedGen C0268465, MONDO:0009862, OMIM 261630.

Submission:

Labcorp Genetics (formerly Invitae), Labcorp
Classification: Pathogenic for Dihydropteridine reductase deficiency. Last evaluated: 2023-06-02. Review status: criteria provided, single submitter. Criteria: Invitae Variant Classification Sherloc (09022015). Collection method: clinical testing. Allele origin: germline.
Comment: For these reasons, this variant has been classified as Pathogenic. This variant disrupts a region of the QDPR protein in which other variant(s) (p.Arg221*) have been determined to be pathogenic (PMID: 8518287, 19099731, 27246466, 30109838). This suggests that this is a clinically significant region of the protein, and that variants that disrupt it are likely to be disease-causing. This variant has not been reported in the literature in individuals affected with QDPR-related conditions. This variant is not present in population databases (gnomAD no frequency). This sequence change creates a premature translational stop signal (p.Lys192Asnfs*14) in the QDPR gene. While this is not anticipated to result in nonsense mediated decay, it is expected to disrupt the last 53 amino acid(s) of the QDPR protein.

Literature cited by the submitters: PubMed 8518287; PubMed 19099731; PubMed 27246466; PubMed 30109838.